The following is an entry in ClinVar:

NM_005159.5(ACTC1):c.389A>G (p.Asn130Ser)

Genes: ACTC1 (actin alpha cardiac muscle 1; minus strand), GJD2-DT (GJD2 divergent transcript; plus strand). Cytogenetic location: 15q14.
Variant type: single nucleotide variant.
Coding change: c.389A>G on transcript NM_005159.5 (MANE Select); coding-DNA position 389, A replaced by G.
Protein change: p.Asn130Ser; replaces asparagine 130 with serine.
Molecular consequence: missense variant.
Genome position (GRCh38, 1-based): chr15:34,793,310, T>C on the plus strand (A>G on the coding strand, the complement: ACTC1 is on the minus strand). VCF-style: chr15-34793310-T-C. GRCh37 (hg19) VCF-style: chr15-35085511-T-C.
Other names: short protein forms N130S.
Identifiers: ClinVar variation 652297 (VCV000652297.13), dbSNP rs1595761325, ClinGen allele CA391631340.

ClinVar aggregate classification (germline): Uncertain significance. Review status: criteria provided, multiple submitters, no conflicts (2 of 4 stars). 3 submissions from 3 submitters: Uncertain significance (3). Last evaluated 2025-07-27.

Conditions:
Cardiomyopathy (CMYO). Also called: Cardiomyopathies. Identifiers: Orphanet 167848, MedGen C0878544, MONDO:0004994, HP:0001638. Inheritance: Various modes of inheritance.
Hypertrophic cardiomyopathy. Also called: HYPERTROPHIC MYOCARDIOPATHY. Identifiers: Orphanet 217569, MedGen C0007194, MeSH D002312, MONDO:0005045, HP:0001639.
Hypertrophic cardiomyopathy 11. Also called: ACTC1-Related Familial Hypertrophic Cardiomyopathy. Identifiers: MedGen C2677506, MONDO:0012799, OMIM 612098.
Dilated cardiomyopathy 1R (CMD1R). Identifiers: Orphanet 154, Orphanet 54260, MedGen C3150681, MONDO:0013261, OMIM 613424.
Atrial septal defect 5 (ASD5). Identifiers: Orphanet 1478, MedGen C2748552, MONDO:0013011, OMIM 612794.

Allele frequency attached by ClinVar (database versions not stated): gnomAD exomes 0.00001.
gnomAD v4.1: 3 of 1,614,156 alleles (0.00019%); highest among the groups gnomAD compares: East Asian, 0.0022%; no homozygotes.

Submissions (3):

Labcorp Genetics (formerly Invitae), Labcorp
Classification: Uncertain significance for Dilated cardiomyopathy 1R; Hypertrophic cardiomyopathy 11; Atrial septal defect 5. Last evaluated: 2025-07-27. Review status: criteria provided, single submitter. Criteria: Invitae Variant Classification Sherloc (09022015). Collection method: clinical testing. Allele origin: germline.
Comment: This sequence change replaces asparagine, which is neutral and polar, with serine, which is neutral and polar, at codon 130 of the ACTC1 protein (p.Asn130Ser). This variant is not present in population databases (gnomAD no frequency). This variant has not been reported in the literature in individuals affected with ACTC1-related conditions. ClinVar contains an entry for this variant (Variation ID: 652297). Invitae Evidence Modeling of protein sequence and biophysical properties (such as structural, functional, and spatial information, amino acid conservation, physicochemical variation, residue mobility, and thermodynamic stability) indicates that this missense variant is not expected to disrupt ACTC1 protein function with a negative predictive value of 80%. In summary, the available evidence is currently insufficient to determine the role of this variant in disease. Therefore, it has been classified as a Variant of Uncertain Significance.

All of Us Research Program, National Institutes of Health
Classification: Uncertain significance for Hypertrophic cardiomyopathy. Last evaluated: 2024-05-09. Review status: criteria provided, single submitter. Criteria: ACMG Guidelines, 2015. Collection method: clinical testing. Allele origin: germline. Inheritance: Autosomal dominant inheritance. Observed: 2 variant alleles, 2 heterozygotes.
Comment: This missense variant replaces asparagine with serine at codon 130 of the ACTC1 protein. Computational prediction tools and conservation analyses suggest that this variant may have deleterious impact on the protein function. Computational splicing tools suggest that this variant may not impact RNA splicing. To our knowledge, functional assays have not been performed for this variant nor has this variant been reported in individuals affected with cardiovascular disorders in the literature. This variant has not been identified in the general population by the Genome Aggregation Database (gnomAD). Available evidence is insufficient to determine the role of this variant in disease conclusively. Therefore, this variant is classified as a Variant of Uncertain Significance.

This study involves interpretation of variants in research participants for the purpose of population health screening. Participant phenotype was not available at the time of variant classification. Additional details can be found in publication PMID: 35346344, PMCID: PMC8962531

Color Diagnostics, LLC DBA Color Health
Classification: Uncertain significance for Cardiomyopathy. Last evaluated: 2023-12-05. Review status: criteria provided, single submitter. Criteria: ACMG Guidelines, 2015. Collection method: clinical testing. Allele origin: germline.
Comment: This missense variant replaces asparagine with serine at codon 130 of the ACTC1 protein. Computational prediction tools and conservation analyses suggest that this variant may have deleterious impact on the protein function. Computational splicing tools suggest that this variant may not impact RNA splicing. To our knowledge, functional assays have not been performed for this variant nor has this variant been reported in individuals affected with cardiovascular disorders in the literature. This variant has not been identified in the general population by the Genome Aggregation Database (gnomAD). Available evidence is insufficient to determine the role of this variant in disease conclusively. Therefore, this variant is classified as a Variant of Uncertain Significance.